The following is an entry in ClinVar:

ClinVar aggregate classification (germline): Pathogenic (1 of 4 stars; one submission).

Conditions:
Hereditary cancer-predisposing syndrome. Also called: Neoplastic Syndromes, Hereditary; Tumor predisposition; Hereditary neoplastic syndrome; Hereditary Cancer Syndrome. Identifiers: Orphanet 140162, MedGen C0027672, MeSH D009386, MONDO:0015356.

Submission:

Ambry Genetics
Classification: Pathogenic for Hereditary cancer-predisposing syndrome. Last evaluated: 2026-06-30. Review status: criteria provided, single submitter. Criteria: Ambry Variant Classification Scheme 2023. Collection method: clinical testing. Allele origin: germline.
Comment: The c.1205_1208delAAGA pathogenic mutation, located in coding exon 5 of the AXIN2 gene, results from a deletion of 4 nucleotides at nucleotide positions 1205 to 1208, causing a translational frameshift with a predicted alternate stop codon (p.E402Gfs*55). This alteration is expected to result in loss of function by premature protein truncation or nonsense-mediated mRNA decay. This variant is considered to be rare based on population cohorts in the Genome Aggregation Database (gnomAD). As such, this alteration is interpreted as a disease-causing mutation.

NM_004655.4(AXIN2):c.1205_1208del (p.Glu402fs)

Gene: AXIN2 (axin 2; minus strand). Cytogenetic location: 17q24.1.
Variant type: Deletion.
Coding change: c.1205_1208del on transcript NM_004655.4 (MANE Select); coding-DNA positions 1205 to 1208, 4 bases deleted (AAGA; older notation c.1205_1208delAAGA).
Protein change: p.Glu402fs; shifts the reading frame from glutamic acid 402.
Molecular consequence: frameshift variant.
Genome position (GRCh38, 1-based): chr17:65,537,828-65,537,831, TCTT deleted on the plus strand (AAGA on the coding strand, the reverse complement: AXIN2 is on the minus strand). VCF-style (leftmost placement, unchanged base first): chr17-65537827-CTCTT-C. GRCh37 (hg19) VCF-style: chr17-63533945-CTCTT-C.
Other names: c.1205_1208del, p.Glu402fs (NM_001363813.1); short protein forms E402fs.
Identifiers: ClinVar variation 5032521 (VCV005032521.1).